The following is an entry in ClinVar:

NM_006439.5(MAB21L2):c.772C>T (p.Arg258Trp)

Genes: LRBA (LPS responsive beige-like anchor protein; minus strand), MAB21L2 (mab-21 like 2; plus strand). Cytogenetic location: 4q31.3.
Variant type: single nucleotide variant.
Coding change: c.772C>T on transcript NM_006439.5 (MANE Select); coding-DNA position 772, C replaced by T.
Protein change: p.Arg258Trp; replaces arginine 258 with tryptophan.
Molecular consequence: missense variant. On other transcripts: intron variant (6).
Genome position (GRCh38, 1-based): chr4:150,583,801, C>T. VCF-style: chr4-150583801-C-T. GRCh37 (hg19) VCF-style: chr4-151504953-C-T.
Other names: c.6330+4247G>A (NM_001367550.1, NM_001199282.3, NM_001364905.1 and 1 more transcripts); c.6363+4247G>A (NM_006726.5, NM_001440430.1); short protein forms R258W.
Identifiers: ClinVar variation 4975006 (VCV004975006.1).

ClinVar aggregate classification (germline): VUS-high (1 of 4 stars; one submission).

Conditions:
Cataract 4 multiple types. Also called: CATARACT 4, MULTIPLE TYPES, WITH OR WITHOUT MICROCORNEA; CATARACT 4 WITH MICROCORNEA; CATARACT 4, PUNCTATE; CATARACT 4, CRYSTALLINE; CATARACT 4, CENTRAL NUCLEAR; CATARACT 4, NONNUCLEAR POLYMORPHIC CONGENITAL. Identifiers: Orphanet 1377, MedGen C3540850, MONDO:0007281, OMIM 115700.

Submission:

Ophthalmic Genetics, Al-Shifa Trust Eye Hospital Rawalpindi
Classification: VUS-high for Cataract 4 multiple types. Last evaluated: 2026-08-28. Review status: criteria provided, single submitter. Criteria: Submitter's publication. Collection method: research. Allele origin: de novo. Inheritance: Autosomal dominant inheritance. Affected: yes.
Comment: The NM_006439.5(MAB21L2):c.772C>T (p.Arg258Trp) variant is a missense change at a non-conserved nucleotide position within the MAB21L2 gene. The variant is absent from the gnomAD population database at all sites with sufficient sequencing coverage, supporting PM2. No ClinVar submissions exist for this specific variant. Regarding in silico evidence: AlphaMissense classifies the change as pathogenic with a score of 0.84, and BayesDel_addAF scores 0.19 in the pathogenic direction; however, REVEL at 0.40 and PROVEAN at -4.0 fall within the uncertain range, producing a split computational prediction. The non-conserved status of the affected nucleotide limits the weight that conservation-based tools can contribute. Taken together, the computational evidence supports PP3_Moderate as a reasonable classification, reflecting two tools in the pathogenic range against two in uncertain territory without unanimity. Two pathogenic points from PM2 and three from PP3_Moderate give a total of 5 classification points, which approaches but does not reach the Likely Pathogenic threshold of 6 points under standard ACMG/AMP criteria. Classification remains Uncertain Significance.